The following is an entry in ClinVar:

ClinVar aggregate classification (germline): Uncertain significance (1 of 4 stars; one submission).

Conditions:
ADCY3-related disorder. Also called: ADCY3-related condition.

gnomAD v4.1: 11 of 1,613,644 alleles (0.00068%); highest among the groups gnomAD compares: South Asian, 0.0033%; no homozygotes.

Submission:

PreventionGenetics, part of Exact Sciences
Classification: Uncertain significance for ADCY3-related condition. Last evaluated: 2026-03-13. Review status: criteria provided, single submitter. Criteria: ACMG Guidelines, 2015. Collection method: clinical testing. Allele origin: germline.
Comment: The ADCY3 c.1358G>A variant is predicted to result in the amino acid substitution p.Arg453His. To our knowledge, this variant has not been reported in the literature. This variant is reported in 0.0065% of alleles in individuals of South Asian descent in gnomAD. At this time, the clinical significance of this variant is uncertain due to the absence of conclusive functional and genetic evidence.

NM_004036.5(ADCY3):c.1358G>A (p.Arg453His)

Gene: ADCY3 (adenylate cyclase 3; minus strand). Cytogenetic location: 2p23.3.
Variant type: single nucleotide variant.
Coding change: c.1358G>A on transcript NM_004036.5 (MANE Select); coding-DNA position 1358, G replaced by A.
Protein change: p.Arg453His; replaces arginine 453 with histidine.
Molecular consequence: missense variant.
Genome position (GRCh38, 1-based): chr2:24,838,620, C>T on the plus strand (G>A on the coding strand, the complement: ADCY3 is on the minus strand). VCF-style: chr2-24838620-C-T. GRCh37 (hg19) VCF-style: chr2-25061489-C-T.
Other names: c.1358G>A, p.Arg453His (NM_001320613.2, NM_001377129.1, NM_001377130.1 and 1 more transcripts); c.1424G>A, p.Arg475His (NM_001377128.1); c.635G>A, p.Arg212His (NM_001377131.1); short protein forms R475H, R453H, R212H.
Identifiers: ClinVar variation 4992842 (VCV004992842.1).
Genomic context (GRCh38, chr2:24,838,620, plus strand): 5'-CCTGGCTCCACATCAAACTCCCCTTTCAGGCAGTCCATGGTGCTCTGGGAGATGTGCACG[C>T]GCCTGGATTGCAGAGAGAGAGGCCCTGAGCGTCGGCCAGAGGTGGCCCTCACACCCCCAG-3'
Protein context (NP_004027.2, residues 443-463): NKMEAGGIPG[Arg453His]VHISQSTMDC